The following is an entry in ClinVar:

NM_000384.3(APOB):c.8045G>T (p.Ser2682Ile)

Gene: APOB (apolipoprotein B; minus strand). Cytogenetic location: 2p24.1.
Variant type: single nucleotide variant.
Coding change: c.8045G>T on transcript NM_000384.3 (MANE Select); coding-DNA position 8045, G replaced by T.
Protein change: p.Ser2682Ile; replaces serine 2682 with isoleucine.
Molecular consequence: missense variant.
Genome position (GRCh38, 1-based): chr2:21,008,823, C>A on the plus strand (G>T on the coding strand, the complement: APOB is on the minus strand). VCF-style: chr2-21008823-C-A. GRCh37 (hg19) VCF-style: chr2-21231695-C-A.
Other names: short protein forms S2682I.
Identifiers: ClinVar variation 864366 (VCV000864366.23), dbSNP rs375053331, ClinGen allele CA065064.

ClinVar aggregate classification (germline): Conflicting classifications of pathogenicity. Review status: criteria provided, conflicting classifications (1 of 4 stars). 8 submissions from 7 submitters: Uncertain significance (6); Likely benign (2). Last evaluated 2026-03-23.

Conditions:
Familial hypobetalipoproteinemia 1. Also called: Hypobetalipoproteinemia, normotriglyceridemic; Acanthocytosis with hypobetalipoproteinemia; APOB-Related Familial Hypobetalipoproteinemia. Identifiers: MedGen C4551990, MONDO:0014252, OMIM 615558.
Hypercholesterolemia, autosomal dominant, type B (FHCL2). Also called: APOLIPOPROTEIN B-100, FAMILIAL DEFECTIVE; APOLIPOPROTEIN B-100, FAMILIAL LIGAND-DEFECTIVE; HYPERCHOLESTEROLEMIA, FAMILIAL, DUE TO LIGAND-DEFECTIVE APOLIPOPROTEIN B; Hyperlipoproteinemia Type IIb; Familial hypercholesterolemia 2; APOB-Related Familial Hypercholesterolemia, Autosomal Dominant. Identifiers: MedGen C1704417, MONDO:0007751, OMIM 144010.
Familial hypercholesterolemia. Also called: Familial hypercholesterolaemia; Familial hypercholesterolemias. Identifiers: MedGen C0020445, MONDO:0005439.
Cardiovascular phenotype. Identifiers: MedGen CN230736.

Allele frequency attached by ClinVar (database versions not stated): ESP Exome Variant Server 0.00008; TOPMed 0.00009.
gnomAD v4.1: 74 of 1,613,934 alleles (0.0046%); highest among the groups gnomAD compares: Middle Eastern, 0.033%; no homozygotes.

Submissions (8):

Cambridge Genomics Laboratory, East Genomic Laboratory Hub, NHS Genomic Medicine Service
Classification: Uncertain significance for Familial hypercholesterolaemia. Last evaluated: 2026-03-23. Review status: criteria provided, single submitter. Criteria: ACGS Best Practice Guidelines for Variant Classification in Rare Disease 2020. Collection method: clinical testing. Allele origin: germline. Affected: yes.

Labcorp Genetics (formerly Invitae), Labcorp
Classification: Likely benign for Familial hypobetalipoproteinemia 1; Hypercholesterolemia, autosomal dominant, type B. Last evaluated: 2026-01-28. Review status: criteria provided, single submitter. Criteria: Invitae Variant Classification Sherloc (09022015). Collection method: clinical testing. Allele origin: germline.

Quest Diagnostics Nichols Institute San Juan Capistrano
Classification: Uncertain significance. Last evaluated: 2025-08-05. Review status: criteria provided, single submitter. Criteria: Quest Diagnostics criteria. Collection method: clinical testing. Allele origin: unknown.
Comment: The APOB c.8045G>T (p.Ser2682Ile) variant has been reported in the published literature in individuals affected with hypercholesterolemia (PMID: 28958330 (2017), 35913489 (2022)) and combined hyperlipidemia (PMID: 33303402 (2021)). The frequency of this variant in the general population (Genome Aggregation Database) is uninformative in the assessment of its pathogenicity. Analysis of this variant using bioinformatics tools for the prediction of the effect of amino acid changes on protein structure and function yielded conflicting predictions that this variant is benign or damaging. Based on the available information, we are unable to determine the clinical significance of this variant.

Ambry Genetics
Classification: Likely benign for Cardiovascular phenotype. Last evaluated: 2025-04-09. Review status: criteria provided, single submitter. Criteria: Ambry Variant Classification Scheme 2023. Collection method: clinical testing. Allele origin: germline.

GeneDx
Classification: Uncertain significance. Last evaluated: 2023-03-21. Review status: criteria provided, single submitter. Criteria: GeneDx Variant Classification Process June 2021. Collection method: clinical testing. Allele origin: germline. Affected: yes.
Comment: Identified in individuals with familial hyperlipidemia or combined hyperlipidemia in published literature, although detailed clinical information and segregation data was not available (Gill et al., 2021; Sustar et al., 2022); In silico analysis supports that this missense variant has a deleterious effect on protein structure/function; This variant is associated with the following publications: (PMID: 35913489, 33303402)

New York Genome Center
Classification: Uncertain significance for Hypercholesterolemia, autosomal dominant, type B; Familial hypobetalipoproteinemia 1. Last evaluated: 2021-08-13. Review status: criteria provided, single submitter. Criteria: NYGC Assertion Criteria 2020. Collection method: clinical testing. Allele origin: germline. Observed: 1 heterozygote.
Comment: The c.8045G>T, p.Ser2682Ile variant identified in the APOB gene has not been reported in the literature in individuals with APOB-associated disorders. This variant has seven heterozygous individuals in the gnomAD(v3.1.1) database, suggesting it is not a common benign variant in the populations represented in that database. In silico algorithms do not agree on the effect of this variant, as it is predicted both damaging and benign to the function of thecanonical transcript. Given the lack of compelling evidence for its pathogenicity, the c.8045G>T, p.Ser2682Ile variant identified in the APOB gene is reported as a Variant of Uncertain Significance.

Illumina Laboratory Services, Illumina
Classification: Uncertain significance for Familial hypobetalipoproteinemia 1. Last evaluated: 2018-01-12. Review status: criteria provided, single submitter. Criteria: ICSL Variant Classification Criteria 13 December 2019. Collection method: clinical testing. Allele origin: germline.

Illumina Laboratory Services, Illumina
Classification: Uncertain significance for Hypercholesterolemia, autosomal dominant, type B. Last evaluated: 2018-01-12. Review status: criteria provided, single submitter. Criteria: ICSL Variant Classification Criteria 13 December 2019. Collection method: clinical testing. Allele origin: germline.

Literature cited by the submitters: PubMed 30122538 (cited by Quest Diagnostics Nichols Institute San Juan Capistrano); PubMed 28958330 (cited by Quest Diagnostics Nichols Institute San Juan Capistrano and Ambry Genetics); PubMed 33303402 (cited by Quest Diagnostics Nichols Institute San Juan Capistrano and Ambry Genetics); PubMed 35913489 (cited by Quest Diagnostics Nichols Institute San Juan Capistrano and Ambry Genetics); PubMed 36042188 (cited by Ambry Genetics).